The following is an entry in ClinVar:

NM_007194.4(CHEK2):c.923_924dup (p.Leu309fs)

Gene: CHEK2 (checkpoint kinase 2; minus strand). Cytogenetic location: 22q12.1.
Variant type: Microsatellite.
Coding change: c.923_924dup on transcript NM_007194.4 (MANE Select); coding-DNA positions 923 to 924, 2 bases duplicated (AG; older notation c.923_924dupAG).
Protein change: p.Leu309fs; shifts the reading frame from leucine 309.
Molecular consequence: frameshift variant.
Genome position (GRCh38, 1-based): chr22:28,699,922-28,699,923, CT duplicated on the plus strand (AG on the coding strand, the reverse complement: CHEK2 is on the minus strand); duplicating any 2 consecutive bases within chr22:28,699,922-28,699,926 gives the same sequence; the c. name uses the placement nearest the transcript's 3' end. VCF-style (leftmost placement, unchanged base first): chr22-28699921-G-GCT. GRCh37 (hg19) VCF-style: chr22-29095909-G-GCT.
Other names: c.1052_1053dup, p.Leu352fs (NM_001005735.3, NM_001438294.1); c.260_261dup, p.Leu88fs (NM_001257387.3, NM_001437942.1); c.722_723dup, p.Leu242fs (NM_001349956.3); c.1016_1017dup, p.Leu340fs (NM_001438293.1, NM_001438295.1); c.923_924dup, p.Leu309fs (NM_145862.3); short protein forms L340fs, L242fs, L309fs, L352fs, L88fs.
Identifiers: ClinVar variation 4713876 (VCV004713876.1).

ClinVar aggregate classification (germline): Pathogenic (1 of 4 stars; one submission).

Conditions:
Familial cancer of breast. Also called: hereditary breast carcinoma; BREAST CANCER, FAMILIAL; Hereditary breast cancer. Identifiers: Orphanet 227535, MedGen C0346153, MONDO:0016419, OMIM 114480. Disease mechanism: loss of function.

Submission:

Labcorp Genetics (formerly Invitae), Labcorp
Classification: Pathogenic for Familial cancer of breast. Last evaluated: 2025-02-26. Review status: criteria provided, single submitter. Criteria: Invitae Variant Classification Sherloc (09022015). Collection method: clinical testing. Allele origin: germline.
Comment: This sequence change creates a premature translational stop signal (p.Leu309Serfs*12) in the CHEK2 gene. It is expected to result in an absent or disrupted protein product. Loss-of-function variants in CHEK2 are known to be pathogenic (PMID: 21876083, 24713400). This variant is not present in population databases (gnomAD no frequency). This variant has not been reported in the literature in individuals affected with CHEK2-related conditions. For these reasons, this variant has been classified as Pathogenic.

Literature cited by the submitters: PubMed 21876083; PubMed 24713400.